The following is an entry in ClinVar:

ClinVar aggregate classification (germline): Uncertain significance. Review status: criteria provided, multiple submitters, no conflicts (2 of 4 stars). 3 submissions from 3 submitters: Uncertain significance (3). Last evaluated 2025-08-16.

Conditions:
Inborn genetic diseases. Identifiers: MedGen C0950123, MeSH D030342.
Aicardi-Goutieres syndrome 6 (AGS6). Identifiers: Orphanet 51, MedGen C3539013, MONDO:0014007, OMIM 615010.
Symmetrical dyschromatosis of extremities (DSH). Also called: RETICULATE ACROPIGMENTATION OF DOHI; DYSCHROMATOSIS SYMMETRICA HEREDITARIA 1; SYMMETRIC DYSCHROMATOSIS OF THE EXTREMITIES; Dyschromatosis symmetrica hereditaria. Identifiers: Orphanet 41, MedGen C0406775, MONDO:0007483, OMIM 127400.

Allele frequency attached by ClinVar (database versions not stated): gnomAD exomes 0.00003 and 0.00002; gnomAD 0.00001; TOPMed 0.00002; ExAC 0.00003.
gnomAD v4.1: 29 of 1,613,894 alleles (0.0018%); highest among the groups gnomAD compares: Admixed American, 0.0067%; no homozygotes.

Submissions (3):

Labcorp Genetics (formerly Invitae), Labcorp
Classification: Uncertain significance for Aicardi-Goutieres syndrome 6; Symmetrical dyschromatosis of extremities. Last evaluated: 2025-08-16. Review status: criteria provided, single submitter. Criteria: Invitae Variant Classification Sherloc (09022015). Collection method: clinical testing. Allele origin: germline.
Comment: This sequence change replaces arginine, which is basic and polar, with tryptophan, which is neutral and slightly polar, at codon 850 of the ADAR protein (p.Arg850Trp). This variant is present in population databases (rs762568334, gnomAD 0.009%). This variant has not been reported in the literature in individuals affected with ADAR-related conditions. ClinVar contains an entry for this variant (Variation ID: 540262). Invitae Evidence Modeling of protein sequence and biophysical properties (such as structural, functional, and spatial information, amino acid conservation, physicochemical variation, residue mobility, and thermodynamic stability) indicates that this missense variant is not expected to disrupt ADAR protein function with a negative predictive value of 80%. In summary, the available evidence is currently insufficient to determine the role of this variant in disease. Therefore, it has been classified as a Variant of Uncertain Significance.

Genome-Nilou Lab
Classification: Uncertain significance for Aicardi-Goutieres syndrome 6. Last evaluated: 2023-04-11. Review status: criteria provided, single submitter. Criteria: ACMG Guidelines, 2015. Collection method: clinical testing. Allele origin: germline. Affected: no.

Ambry Genetics
Classification: Uncertain significance for Inborn genetic diseases. Last evaluated: 2021-07-09. Review status: criteria provided, single submitter. Criteria: Ambry Variant Classification Scheme 2023. Collection method: clinical testing. Allele origin: germline.

NM_001111.5(ADAR):c.2548C>T (p.Arg850Trp)

Genes: ADAR (adenosine deaminase RNA specific; minus strand), LOC126805874 (CDK7 strongly-dependent group 2 enhancer GRCh37_chr1:154561176-154562375; plus strand). Cytogenetic location: 1q21.3.
Variant type: single nucleotide variant.
Coding change: c.2548C>T on transcript NM_001111.5 (MANE Select); coding-DNA position 2548, C replaced by T.
Protein change: p.Arg850Trp; replaces arginine 850 with tryptophan.
Molecular consequence: missense variant.
Genome position (GRCh38, 1-based): chr1:154,589,877, G>A on the plus strand (C>T on the coding strand, the complement: ADAR is on the minus strand). VCF-style: chr1-154589877-G-A. GRCh37 (hg19) VCF-style: chr1-154562353-G-A.
Other names: c.1663C>T, p.Arg555Trp (NM_001025107.3, NM_001193495.2, NM_001365046.1 and 2 more transcripts); c.2575C>T, p.Arg859Trp (NM_001365045.1); c.1585C>T, p.Arg529Trp (NM_001365049.1); c.2470C>T, p.Arg824Trp (NM_015840.4); c.2413C>T, p.Arg805Trp (NM_015841.4); c.2548C>T, p.Arg850Trp (LRG_1212t1); short protein forms R850W, R555W, R805W, R824W, R859W, R529W.
Identifiers: ClinVar variation 540262 (VCV000540262.11), dbSNP rs762568334, ClinGen allele CA1131228.